The following is an entry in ClinVar:

NM_001378615.1(CC2D2A):c.4555T>A (p.Trp1519Arg)

Genes: CC2D2A (coiled-coil and C2 domain containing 2A; plus strand), FBXL5 (F-box and leucine rich repeat protein 5; minus strand). Cytogenetic location: 4p15.32.
Variant type: single nucleotide variant.
Coding change: c.4555T>A on transcript NM_001378615.1 (MANE Select); coding-DNA position 4555, T replaced by A.
Protein change: p.Trp1519Arg; replaces tryptophan 1519 with arginine.
Molecular consequence: missense variant.
Genome position (GRCh38, 1-based): chr4:15,599,587, T>A. VCF-style: chr4-15599587-T-A. GRCh37 (hg19) VCF-style: chr4-15601210-T-A.
Other names: c.4555T>A, p.Trp1519Arg (NM_001080522.2); c.4408T>A, p.Trp1470Arg (NM_001378617.1); short protein forms W1470R, W1519R.
Identifiers: ClinVar variation 3339159 (VCV003339159.1).

ClinVar aggregate classification (germline): Uncertain significance (1 of 4 stars; one submission).

Submission:

Women's Health and Genetics/Laboratory Corporation of America, LabCorp
Classification: Uncertain significance. Last evaluated: 2024-07-30. Review status: criteria provided, single submitter. Criteria: LabCorp Variant Classification Summary - May 2015. Collection method: clinical testing. Allele origin: germline.
Comment: Variant summary: CC2D2A c.4555T>A (p.Trp1519Arg) results in a non-conservative amino acid change in the encoded protein sequence. Five of five in-silico tools predict a damaging effect of the variant on protein function. The variant was absent in 246994 control chromosomes. The available data on variant occurrences in the general population are insufficient to allow any conclusion about variant significance. To our knowledge, no occurrence of c.4555T>A in individuals affected with Meckel Syndrome Type 6 and no experimental evidence demonstrating its impact on protein function have been reported. No submitters have cited clinical-significance assessments for this variant to ClinVar. Based on the evidence outlined above, the variant was classified as uncertain significance.